The following is an entry in ClinVar:

ClinVar aggregate classification (germline): Uncertain significance (1 of 4 stars; one submission).

Conditions:
Hereditary cancer-predisposing syndrome. Also called: Hereditary Cancer Syndrome; Hereditary neoplastic syndrome; Neoplastic Syndromes, Hereditary; Tumor predisposition. Identifiers: Orphanet 140162, MedGen C0027672, MeSH D009386, MONDO:0015356.

Submission:

Ambry Genetics
Classification: Uncertain significance for Hereditary cancer-predisposing syndrome. Last evaluated: 2025-03-17. Review status: criteria provided, single submitter. Criteria: Ambry Variant Classification Scheme 2023. Collection method: clinical testing. Allele origin: germline.
Comment: The p.W251C variant (also known as c.753G>T), located in coding exon 5 of the NTHL1 gene, results from a G to T substitution at nucleotide position 753. The tryptophan at codon 251 is replaced by cysteine, an amino acid with highly dissimilar properties. This amino acid position is conserved. In addition, this alteration is predicted to be deleterious by in silico analysis. Based on the available evidence, the clinical significance of this variant remains unclear.

NM_002528.7(NTHL1):c.729G>T (p.Trp243Cys)

Gene: NTHL1 (nth like DNA glycosylase 1; minus strand). Cytogenetic location: 16p13.3.
Variant type: single nucleotide variant.
Coding change: c.729G>T on transcript NM_002528.7 (MANE Select); coding-DNA position 729, G replaced by T.
Protein change: p.Trp243Cys; replaces tryptophan 243 with cysteine.
Molecular consequence: missense variant.
Genome position (GRCh38, 1-based): chr16:2,040,195, C>A on the plus strand (G>T on the coding strand, the complement: NTHL1 is on the minus strand). VCF-style: chr16-2040195-C-A. GRCh37 (hg19) VCF-style: chr16-2090196-C-A.
Other names: c.558G>T, p.Trp186Cys (NM_001318193.2); c.399G>T, p.Trp133Cys (NM_001318194.2); short protein forms W133C, W186C, W243C.
Identifiers: ClinVar variation 3922243 (VCV003922243.1).